The following is an entry in ClinVar:

ClinVar aggregate classification (germline): Uncertain significance (1 of 4 stars; one submission).

Conditions:
Inborn genetic diseases. Identifiers: MedGen C0950123, MeSH D030342.

gnomAD v4.1: 1 of 1,613,634 alleles (0.000062%); highest among the groups gnomAD compares: African/African-American, 0.0013%; no homozygotes.

Submission:

Ambry Genetics
Classification: Uncertain significance for Inborn genetic diseases. Last evaluated: 2025-04-28. Review status: criteria provided, single submitter. Criteria: Ambry Variant Classification Scheme 2023. Collection method: clinical testing. Allele origin: germline.
Comment: The p.Y927H variant (also known as c.2779T>C), located in coding exon 1 of the SAMD9 gene, results from a T to C substitution at nucleotide position 2779. The tyrosine at codon 927 is replaced by histidine, an amino acid with similar properties. This amino acid position is conserved. In addition, the in silico prediction for this alteration is inconclusive. Based on the available evidence, the clinical significance of this variant remains unclear.

NM_017654.4(SAMD9):c.2779T>C (p.Tyr927His)

Gene: SAMD9 (sterile alpha motif domain containing 9; minus strand). Cytogenetic location: 7q21.2.
Variant type: single nucleotide variant.
Coding change: c.2779T>C on transcript NM_017654.4 (MANE Select); coding-DNA position 2779, T replaced by C.
Protein change: p.Tyr927His; replaces tyrosine 927 with histidine.
Molecular consequence: missense variant.
Genome position (GRCh38, 1-based): chr7:93,103,319, A>G on the plus strand (T>C on the coding strand, the complement: SAMD9 is on the minus strand). VCF-style: chr7-93103319-A-G. GRCh37 (hg19) VCF-style: chr7-92732632-A-G.
Other names: c.2779T>C, p.Tyr927His (NM_001193307.2); short protein forms Y927H.
Identifiers: ClinVar variation 3437116 (VCV003437116.2).